The following is an entry in ClinVar:

ClinVar aggregate classification (germline): Uncertain significance (1 of 4 stars; one submission).

Conditions:
Evans syndrome, immunodeficiency, and premature immunosenescence associated with tripeptidyl-peptidase II deficiency. Identifiers: MedGen CN231723. Disease mechanism: loss of function.

Allele frequency attached by ClinVar (database versions not stated): gnomAD exomes below 0.00001 and 0.00001; TOPMed below 0.00001; gnomAD 0.00001; ExAC 0.00002.
gnomAD v4.1: 8 of 1,613,716 alleles (0.0005%); highest among the groups gnomAD compares: African/African-American, 0.0013%; no homozygotes.

Submission:

Labcorp Genetics (formerly Invitae), Labcorp
Classification: Uncertain significance for Evans syndrome, immunodeficiency, and premature immunosenescence associated with tripeptidyl-peptidase II deficiency. Last evaluated: 2022-10-05. Review status: criteria provided, single submitter. Criteria: Invitae Variant Classification Sherloc (09022015). Collection method: clinical testing. Allele origin: germline.
Comment: This sequence change replaces isoleucine, which is neutral and non-polar, with valine, which is neutral and non-polar, at codon 248 of the TPP2 protein (p.Ile248Val). In summary, the available evidence is currently insufficient to determine the role of this variant in disease. Therefore, it has been classified as a Variant of Uncertain Significance. Algorithms developed to predict the effect of missense changes on protein structure and function (SIFT, PolyPhen-2, Align-GVGD) all suggest that this variant is likely to be tolerated. ClinVar contains an entry for this variant (Variation ID: 1354229). This variant has not been reported in the literature in individuals affected with TPP2-related conditions. This variant is present in population databases (rs771533347, gnomAD 0.002%).

NM_001330588.2(TPP2):c.742A>G (p.Ile248Val)

Gene: TPP2 (tripeptidyl peptidase 2; plus strand). Cytogenetic location: 13q33.1.
Variant type: single nucleotide variant.
Coding change: c.742A>G on transcript NM_001330588.2 (MANE Select); coding-DNA position 742, A replaced by G.
Protein change: p.Ile248Val; replaces isoleucine 248 with valine.
Molecular consequence: missense variant. On other transcripts: non-coding transcript variant (1).
Genome position (GRCh38, 1-based): chr13:102,622,998, A>G. VCF-style: chr13-102622998-A-G. GRCh37 (hg19) VCF-style: chr13-103275348-A-G.
Other names: c.742A>G, p.Ile248Val (NM_001367947.1, NM_003291.4); short protein forms I248V.
Identifiers: ClinVar variation 1354229 (VCV001354229.8), dbSNP rs771533347, ClinGen allele CA7037586.